The following is an entry in ClinVar:

ClinVar aggregate classification (germline): Uncertain significance (1 of 4 stars; one submission).

Submission:

GeneDx
Classification: Uncertain significance. Last evaluated: 2026-03-31. Review status: criteria provided, single submitter. Criteria: GeneDx Variant Classification Process June 2021. Collection method: clinical testing. Allele origin: germline.
Comment: Nonsense variant predicted to result in protein truncation or nonsense mediated decay in a region of a gene for which loss of function is not a well-established mechanism of disease; Has not been previously published as pathogenic or benign to our knowledge; Not observed at significant frequency in large population cohorts (gnomAD)

NM_001267550.2(TTN):c.3104C>G (p.Ser1035Ter)

Gene: TTN (titin; minus strand). Cytogenetic location: 2q31.2.
Variant type: single nucleotide variant.
Coding change: c.3104C>G on transcript NM_001267550.2 (MANE Select); coding-DNA position 3104, C replaced by G.
Protein change: p.Ser1035Ter; replaces serine 1035 with a stop codon.
Molecular consequence: nonsense.
Genome position (GRCh38, 1-based): chr2:178,782,599, G>C on the plus strand (C>G on the coding strand, the complement: TTN is on the minus strand). VCF-style: chr2-178782599-G-C. GRCh37 (hg19) VCF-style: chr2-179647326-G-C.
Other names: c.3104C>G, p.Ser1035Ter (NM_001256850.1, NM_133378.4, NM_133379.5); c.2966C>G, p.Ser989Ter (NM_003319.4, NM_133432.3, NM_133437.4); short protein forms S1035*, S989*.
Identifiers: ClinVar variation 5017963 (VCV005017963.1).